The following is an entry in ClinVar:

NM_001042424.3(NSD2):c.2221G>C (p.Glu741Gln)

Gene: NSD2 (nuclear receptor binding SET domain protein 2; plus strand). Cytogenetic location: 4p16.3.
Variant type: single nucleotide variant.
Coding change: c.2221G>C on transcript NM_001042424.3 (MANE Select); coding-DNA position 2221, G replaced by C.
Protein change: p.Glu741Gln; replaces glutamic acid 741 with glutamine.
Molecular consequence: missense variant.
Genome position (GRCh38, 1-based): chr4:1,953,407, G>C. VCF-style: chr4-1953407-G-C. GRCh37 (hg19) VCF-style: chr4-1955134-G-C.
Other names: c.2221G>C, p.Glu741Gln (NM_133330.3, NM_133331.3, NM_133335.4); short protein forms E741Q.
Identifiers: ClinVar variation 3359509 (VCV003359509.1).

ClinVar aggregate classification (germline): Uncertain significance (1 of 4 stars; one submission).

Submission:

GeneDx
Classification: Uncertain significance. Last evaluated: 2023-06-07. Review status: criteria provided, single submitter. Criteria: GeneDx Variant Classification Process June 2021. Collection method: clinical testing. Allele origin: germline. Affected: yes.
Comment: Not observed at significant frequency in large population cohorts (gnomAD); In silico analysis suggests this variant may impact gene splicing. In the absence of RNA/functional studies, the actual effect of this sequence change is unknown.; In silico analysis supports that this missense variant does not alter protein structure/function; Has not been previously published as pathogenic or benign to our knowledge